The following is an entry in ClinVar:

NM_001987.5(ETV6):c.-5G>A

Gene: ETV6 (ETS variant transcription factor 6; plus strand). Cytogenetic location: 12p13.2.
Variant type: single nucleotide variant.
Coding change: c.-5G>A on transcript NM_001987.5 (MANE Select); 5 bases upstream of the start codon, G replaced by A.
Molecular consequence: 5 prime UTR variant.
Genome position (GRCh38, 1-based): chr12:11,650,123, G>A. VCF-style: chr12-11650123-G-A. GRCh37 (hg19) VCF-style: chr12-11803057-G-A.
Other names: c.-5G>A (NM_001413913.1, NM_001413916.1, NM_001413917.1 and 1 more transcripts); c.-157G>A (NM_001413914.1); c.-139G>A (NM_001413915.1).
Identifiers: ClinVar variation 4827144 (VCV004827144.1).

ClinVar aggregate classification (germline): Uncertain significance (1 of 4 stars; one submission).

Conditions:
Inborn genetic diseases. Identifiers: MedGen C0950123, MeSH D030342.

gnomAD v4.1: 1 of 1,613,716 alleles (0.000062%); highest among the groups gnomAD compares: Non-Finnish European, 0.000085%; no homozygotes.

Submission:

Ambry Genetics
Classification: Uncertain significance for Inborn genetic diseases. Last evaluated: 2026-01-21. Review status: criteria provided, single submitter. Criteria: Ambry Variant Classification Scheme 2023. Collection method: clinical testing. Allele origin: germline.
Comment: The c.-5G>A variant is located in the 5' untranslated region (5&rsquo; UTR) of the ETV6 gene. This variant results from a G to A substitution 5 bases upstream from the first translated codon. This nucleotide position is highly conserved in available vertebrate species. In silico splice site analysis for this alteration is inconclusive. Based on the available evidence, the clinical significance of this variant remains unclear.